The following is an entry in ClinVar:

ClinVar aggregate classification (germline): Uncertain significance (1 of 4 stars; one submission).

Conditions:
Epidermolysis bullosa simplex 3, localized or generalized intermediate, with BP230 deficiency (EBS3). Also called: Epidermolysis bullosa simplex, autosomal recessive 2; Epidermolysis bullosa simplex due to BP230 deficiency. Identifiers: Orphanet 412181, MedGen C3809470, MONDO:0014180, OMIM 615425.
Hereditary sensory and autonomic neuropathy type 6. Also called: HSAN VI; Neuropathy, hereditary sensory and autonomic, type VI. Identifiers: Orphanet 314381, MedGen C3539003, MONDO:0013839, OMIM 614653.

Allele frequency attached by ClinVar (database versions not stated): gnomAD exomes below 0.00001; gnomAD 0.00001; TOPMed 0.00001.
gnomAD v4.1: 2 of 1,613,398 alleles (0.00012%); highest among the groups gnomAD compares: African/African-American, 0.0013%; no homozygotes.

Submission:

Labcorp Genetics (formerly Invitae), Labcorp
Classification: Uncertain significance for Epidermolysis bullosa simplex 3, localized or generalized intermediate, with BP230 deficiency; Hereditary sensory and autonomic neuropathy type 6. Last evaluated: 2022-10-17. Review status: criteria provided, single submitter. Criteria: Invitae Variant Classification Sherloc (09022015). Collection method: clinical testing. Allele origin: germline.
Comment: In summary, the available evidence is currently insufficient to determine the role of this variant in disease. Therefore, it has been classified as a Variant of Uncertain Significance. Algorithms developed to predict the effect of missense changes on protein structure and function are either unavailable or do not agree on the potential impact of this missense change (SIFT: "Deleterious"; PolyPhen-2: "Probably Damaging"; Align-GVGD: "Class C15"). ClinVar contains an entry for this variant (Variation ID: 579130). This variant has not been reported in the literature in individuals affected with DST-related conditions. This variant is not present in population databases (gnomAD no frequency). This sequence change replaces phenylalanine, which is neutral and non-polar, with leucine, which is neutral and non-polar, at codon 1094 of the DST protein (p.Phe1094Leu).

NM_001374736.1(DST):c.4893T>G (p.Phe1631Leu)

Gene: DST (dystonin; minus strand). Cytogenetic location: 6p12.1.
Variant type: single nucleotide variant.
Coding change: c.4893T>G on transcript NM_001374736.1 (MANE Select); coding-DNA position 4893, T replaced by G.
Protein change: p.Phe1631Leu; replaces phenylalanine 1631 with leucine.
Molecular consequence: missense variant.
Genome position (GRCh38, 1-based): chr6:56,624,566, A>C on the plus strand (T>G on the coding strand, the complement: DST is on the minus strand). VCF-style: chr6-56624566-A-C. GRCh37 (hg19) VCF-style: chr6-56489364-A-C.
Other names: c.4794T>G, p.Phe1598Leu (NM_001144769.5); c.4380T>G, p.Phe1460Leu (NM_001144770.2); c.4893T>G, p.Phe1631Leu (NM_001374722.1); c.4260T>G, p.Phe1420Leu (NM_001374729.1, NM_001374730.1, NM_001386100.1 and 1 more transcripts); c.4920T>G, p.Phe1640Leu (NM_001374734.1); c.3282T>G, p.Phe1094Leu (NM_001723.7, NM_015548.5); short protein forms F1094L, F1598L, F1420L, F1460L, F1631L, F1640L.
Identifiers: ClinVar variation 579130 (VCV000579130.7), dbSNP rs1025461861, ClinGen allele CA139212012.
Genomic context (GRCh38, chr6:56,624,566, plus strand): 5'-AGGGTGCTCACTGTTAATGATTACCTCCTCCTCTTCCAGCCTCTTCAATGAATCACCAGC[A>C]AATTTAATATATTGTGTCATGAGAGTGACCAGGGCAGTATATCGAGTCCTTAGGTCCATG-3'
Protein context (NP_001361665.1, residues 1621-1641): LVTLMTQYIK[Phe1631Leu]AGDSLKRLEE